The following is an entry in ClinVar:

ClinVar aggregate classification (germline): Benign. Review status: criteria provided, multiple submitters, no conflicts (2 of 4 stars). 2 submissions from 2 submitters: Benign (2). Last evaluated 2026-02-03.

Conditions:
KLF10-related disorder. Also called: KLF10-related condition.

Allele frequency attached by ClinVar (database versions not stated): ESP Exome Variant Server 0.00769; gnomAD 0.00800 and 0.00849; 1000 Genomes Project 0.01018; 1000 Genomes Project 30x 0.01046.
gnomAD v4.1: 2,368 of 1,614,206 alleles (0.15%); highest among the groups gnomAD compares: African/African-American, 2.8%; 40 homozygotes.

Submissions (2):

Labcorp Genetics (formerly Invitae), Labcorp
Classification: Benign. Last evaluated: 2026-02-03. Review status: criteria provided, single submitter. Criteria: Invitae Variant Classification Sherloc (09022015). Collection method: clinical testing. Allele origin: germline.

PreventionGenetics, part of Exact Sciences
Classification: Benign for KLF10-related condition. Last evaluated: 2024-12-20. Review status: criteria provided, single submitter. Criteria: ACMG Guidelines, 2015. Collection method: clinical testing. Allele origin: germline.
Comment: This variant is classified as benign based on ACMG/AMP sequence variant interpretation guidelines (Richards et al. 2015 PMID: 25741868, with internal and published modifications).

NM_005655.4(KLF10):c.557G>T (p.Arg186Ile)

Gene: KLF10 (KLF transcription factor 10; minus strand). Cytogenetic location: 8q22.3.
Variant type: single nucleotide variant.
Coding change: c.557G>T on transcript NM_005655.4 (MANE Select); coding-DNA position 557, G replaced by T.
Protein change: p.Arg186Ile; replaces arginine 186 with isoleucine.
Molecular consequence: missense variant.
Genome position (GRCh38, 1-based): chr8:102,651,775, C>A on the plus strand (G>T on the coding strand, the complement: KLF10 is on the minus strand). VCF-style: chr8-102651775-C-A. GRCh37 (hg19) VCF-style: chr8-103664003-C-A.
Other names: c.524G>T, p.Arg175Ile (NM_001032282.4); c.557G>T (NM_005655.3); short protein forms R175I, R186I.
Identifiers: ClinVar variation 1671879 (VCV001671879.10), dbSNP rs28634259, ClinGen allele CA4833582.
Genomic context (GRCh38, chr8:102,651,775, plus strand): 5'-GACACAGCGGCACATGGTATGTTCTTTCTTGCAGCCTCAACATTTAGGTGGGTTCTTCTT[C>A]TAAAAGAATTGTTCTGATAGTTGAGGATGCTGGCTGCTTTCATTGGGCAGGTCTGGTGGT-3'
Protein context (NP_005646.1, residues 176-196): SILNYQNNSF[Arg186Ile]RRTHLNVEAA